The following is an entry in ClinVar:

ClinVar aggregate classification (germline): Uncertain significance. Review status: criteria provided, multiple submitters, no conflicts (2 of 4 stars). 2 submissions from 2 submitters: Uncertain significance (2). Last evaluated 2025-02-03.

Conditions:
Dilated cardiomyopathy 1JJ (CMD1JJ). Identifiers: Orphanet 154, MedGen C3808935, MONDO:0014095, OMIM 615235.

Allele frequency attached by ClinVar (database versions not stated): TOPMed below 0.00001.

Submissions (2):

Labcorp Genetics (formerly Invitae), Labcorp
Classification: Uncertain significance for Dilated cardiomyopathy 1JJ. Last evaluated: 2025-02-03. Review status: criteria provided, single submitter. Criteria: Invitae Variant Classification Sherloc (09022015). Collection method: clinical testing. Allele origin: germline.
Comment: This sequence change replaces cysteine, which is neutral and slightly polar, with glycine, which is neutral and non-polar, at codon 110 of the LAMA4 protein (p.Cys110Gly). This variant is not present in population databases (gnomAD no frequency). This variant has not been reported in the literature in individuals affected with LAMA4-related conditions. ClinVar contains an entry for this variant (Variation ID: 657006). Invitae Evidence Modeling of protein sequence and biophysical properties (such as structural, functional, and spatial information, amino acid conservation, physicochemical variation, residue mobility, and thermodynamic stability) indicates that this missense variant is expected to disrupt LAMA4 protein function with a positive predictive value of 80%. In summary, the available evidence is currently insufficient to determine the role of this variant in disease. Therefore, it has been classified as a Variant of Uncertain Significance.

AiLife Diagnostics
Classification: Uncertain significance. Last evaluated: 2022-02-21. Review status: criteria provided, single submitter. Criteria: ACMG Guidelines, 2015. Collection method: clinical testing. Allele origin: germline. Affected: yes. Observed: 2 variant alleles.

NM_001105206.3(LAMA4):c.328T>G (p.Cys110Gly)

Gene: LAMA4 (laminin subunit alpha 4; minus strand). Cytogenetic location: 6q21.
Variant type: single nucleotide variant.
Coding change: c.328T>G on transcript NM_001105206.3 (MANE Select); coding-DNA position 328, T replaced by G.
Protein change: p.Cys110Gly; replaces cysteine 110 with glycine.
Molecular consequence: missense variant.
Genome position (GRCh38, 1-based): chr6:112,207,115, A>C on the plus strand (T>G on the coding strand, the complement: LAMA4 is on the minus strand). VCF-style: chr6-112207115-A-C. GRCh37 (hg19) VCF-style: chr6-112528316-A-C.
Other names: c.328T>G, p.Cys110Gly (NM_001105207.3, NM_002290.5); short protein forms C110G.
Identifiers: ClinVar variation 657006 (VCV000657006.9), dbSNP rs1583890498, ClinGen allele CA365381162.